The following is an entry in ClinVar:

NM_002834.5(PTPN11):c.1690A>G (p.Thr564Ala)

Gene: PTPN11 (protein tyrosine phosphatase non-receptor type 11; plus strand). Cytogenetic location: 12q24.13.
Variant type: single nucleotide variant.
Coding change: c.1690A>G on transcript NM_002834.5 (MANE Select); coding-DNA position 1690, A replaced by G.
Protein change: p.Thr564Ala; replaces threonine 564 with alanine.
Molecular consequence: missense variant.
Genome position (GRCh38, 1-based): chr12:112,502,234, A>G. VCF-style: chr12-112502234-A-G. GRCh37 (hg19) VCF-style: chr12-112940038-A-G.
Other names: c.1702A>G, p.Thr568Ala (NM_001330437.2); c.1687A>G, p.Thr563Ala (NM_001374625.1); short protein forms T563A, T564A, T568A.
Identifiers: ClinVar variation 2137442 (VCV002137442.5), dbSNP rs779810329, ClinGen allele CA386783555.

ClinVar aggregate classification (germline): Uncertain significance. Review status: criteria provided, multiple submitters, no conflicts (2 of 4 stars). 2 submissions from 2 submitters: Uncertain significance (2). Last evaluated 2024-04-16.

Conditions:
RASopathy. Also called: Noonan spectrum disorder; rasopathies. Identifiers: Orphanet 536391, MedGen C5555857, MONDO:0021060.
Noonan syndrome 1 (NS1). Also called: FEMALE PSEUDO-TURNER SYNDROME; PTPN11-Related Noonan Syndrome; TURNER PHENOTYPE WITH NORMAL KARYOTYPE. Identifiers: Orphanet 648, MedGen C4551602, MONDO:0008104, OMIM 163950. Disease mechanism: gain of function.

Submissions (2):

Labcorp Genetics (formerly Invitae), Labcorp
Classification: Uncertain significance for RASopathy. Last evaluated: 2024-04-16. Review status: criteria provided, single submitter. Criteria: Invitae Variant Classification Sherloc (09022015). Collection method: clinical testing. Allele origin: germline.
Comment: This sequence change replaces threonine, which is neutral and polar, with alanine, which is neutral and non-polar, at codon 564 of the PTPN11 protein (p.Thr564Ala). This variant is not present in population databases (gnomAD no frequency). This missense change has been observed in individual(s) with clinical features of Noonan syndrome (PMID: 25804457). In at least one individual the variant was observed to be de novo. ClinVar contains an entry for this variant (Variation ID: 2137442). Advanced modeling of protein sequence and biophysical properties (such as structural, functional, and spatial information, amino acid conservation, physicochemical variation, residue mobility, and thermodynamic stability) has been performed at Invitae for this missense variant, however the output from this modeling did not meet the statistical confidence thresholds required to predict the impact of this variant on PTPN11 protein function. In summary, the available evidence is currently insufficient to determine the role of this variant in disease. Therefore, it has been classified as a Variant of Uncertain Significance.

Juno Genomics, Hangzhou Juno Genomics, Inc
Classification: Uncertain significance for Noonan syndrome 1. Review status: criteria provided, single submitter. Criteria: ACMG Guidelines, 2015. Collection method: clinical testing. Allele origin: germline. Affected: yes.
Comment: Absent from controls (or at extremely low frequency if recessive) in Genome Aggregation Database.;Missense variant in a gene that has a low rate of benign missense variation.;Assumed de novo, but without confirmation of paternity and maternity.;The prevalence of the variant in affected individuals is significantly increased compared to the prevalence in controls.

Literature cited by the submitters: PubMed 25804457 (cited by Labcorp Genetics (formerly Invitae), Labcorp).